The following is an entry in ClinVar:

ClinVar aggregate classification (germline): Uncertain significance. Review status: criteria provided, multiple submitters, no conflicts (2 of 4 stars). 4 submissions from 4 submitters: Uncertain significance (4). Last evaluated 2025-11-19.

Conditions:
Cardiovascular phenotype. Identifiers: MedGen CN230736.
Alstrom syndrome (ALMS). Identifiers: Orphanet 64, MedGen C0268425, MONDO:0008763, OMIM 203800.

Allele frequency attached by ClinVar (database versions not stated): TOPMed 0.00003; gnomAD 0.00004; ExAC 0.00009; ESP Exome Variant Server 0.00009; gnomAD exomes 0.00010.
gnomAD v4.1: 143 of 1,557,728 alleles (0.0092%); highest among the groups gnomAD compares: Admixed American, 0.027%; no homozygotes.

Submissions (4):

Ambry Genetics
Classification: Uncertain significance for Cardiovascular phenotype. Last evaluated: 2025-11-19. Review status: criteria provided, single submitter. Criteria: Ambry Variant Classification Scheme 2023. Collection method: clinical testing. Allele origin: germline.
Comment: The p.D260H variant (also known as c.778G>C), located in coding exon 5 of the ALMS1 gene, results from a G to C substitution at nucleotide position 778. The aspartic acid at codon 260 is replaced by histidine, an amino acid with similar properties. This amino acid position is not well conserved in available vertebrate species. In addition, the in silico prediction for this alteration is inconclusive. Since supporting evidence is limited at this time, the clinical significance of this alteration remains unclear.

GeneDx
Classification: Uncertain significance. Last evaluated: 2024-04-25. Review status: criteria provided, single submitter. Criteria: GeneDx Variant Classification Process June 2021. Collection method: clinical testing. Allele origin: germline. Affected: yes.
Comment: In silico analysis supports that this missense variant has a deleterious effect on protein structure/function; Has not been previously published as pathogenic or benign to our knowledge

Labcorp Genetics (formerly Invitae), Labcorp
Classification: Uncertain significance for Alstrom syndrome. Last evaluated: 2022-10-04. Review status: criteria provided, single submitter. Criteria: Invitae Variant Classification Sherloc (09022015). Collection method: clinical testing. Allele origin: germline.
Comment: This sequence change replaces aspartic acid, which is acidic and polar, with histidine, which is basic and polar, at codon 260 of the ALMS1 protein (p.Asp260His). This variant is present in population databases (rs367750679, gnomAD 0.03%). This variant has not been reported in the literature in individuals affected with ALMS1-related conditions. In summary, the available evidence is currently insufficient to determine the role of this variant in disease. Therefore, it has been classified as a Variant of Uncertain Significance.

Blueprint Genetics
Classification: Uncertain significance. Last evaluated: 2022-06-17. Review status: criteria provided, single submitter. Criteria: ACMG Guidelines, 2015. Collection method: clinical testing. Allele origin: germline.

NM_001378454.1(ALMS1):c.775G>C (p.Asp259His)

Gene: ALMS1 (ALMS1 centrosome and basal body associated protein; plus strand). Cytogenetic location: 2p13.1.
Variant type: single nucleotide variant.
Coding change: c.775G>C on transcript NM_001378454.1 (MANE Select); coding-DNA position 775, G replaced by C.
Protein change: p.Asp259His; replaces aspartic acid 259 with histidine.
Molecular consequence: missense variant.
Genome position (GRCh38, 1-based): chr2:73,424,440, G>C. VCF-style: chr2-73424440-G-C. GRCh37 (hg19) VCF-style: chr2-73651568-G-C.
Other names: c.778G>C, p.Asp260His (NM_015120.4); short protein forms D259H, D260H.
Identifiers: ClinVar variation 2055740 (VCV002055740.5), dbSNP rs367750679, ClinGen allele CA1712980.